The following is an entry in ClinVar:

NM_001283009.2(RTEL1):c.3308C>G (p.Thr1103Ser)

Genes: RTEL1 (regulator of telomere elongation helicase 1; plus strand), RTEL1-TNFRSF6B (RTEL1-TNFRSF6B readthrough (NMD candidate); plus strand). Cytogenetic location: 20q13.33.
Variant type: single nucleotide variant.
Coding change: c.3308C>G on transcript NM_001283009.2 (MANE Select); coding-DNA position 3308, C replaced by G.
Protein change: p.Thr1103Ser; replaces threonine 1103 with serine.
Molecular consequence: missense variant. On other transcripts: non-coding transcript variant (1).
Genome position (GRCh38, 1-based): chr20:63,694,939, C>G. VCF-style: chr20-63694939-C-G. GRCh37 (hg19) VCF-style: chr20-62326292-C-G.
Other names: c.2639C>G, p.Thr880Ser (NM_001283010.1); c.3308C>G, p.Thr1103Ser (NM_016434.4); c.3380C>G, p.Thr1127Ser (NM_032957.5); short protein forms T880S, T1127S, T1103S.
Identifiers: ClinVar variation 1878916 (VCV001878916.6), dbSNP rs375241519, ClinGen allele CA9965946.
Genomic context (GRCh38, chr20:63,694,939, plus strand): 5'-TGACAGCCTATAAGCAAGACGACGACCTCGACAAGGTGCTGGCTGTGTTGGCCGCCCTGA[C>G]CACTGCAAAGCCAGAGGACTTCCCCCTGCTGCACAGCAAGTGGCCCTGGCGTGGGGAACA-3'
Protein context (NP_001269938.1, residues 1093-1113): DKVLAVLAAL[Thr1103Ser]TAKPEDFPLL

ClinVar aggregate classification (germline): Uncertain significance. Review status: criteria provided, multiple submitters, no conflicts (2 of 4 stars). 3 submissions from 3 submitters: Uncertain significance (3). Last evaluated 2025-05-23.

Conditions:
Dyskeratosis congenita, autosomal recessive 5 (DKCB5). Identifiers: MedGen C3554656, MONDO:0014076, OMIM 615190.
Pulmonary fibrosis and/or bone marrow failure, Telomere-related, 3. Also called: PULMONARY FIBROSIS AND/OR BONE MARROW FAILURE SYNDROME, TELOMERE-RELATED, 3. Identifiers: Orphanet 2032, MedGen C4225346, MONDO:0014613, OMIM 616373.
Inborn genetic diseases. Identifiers: MedGen C0950123, MeSH D030342.

Allele frequency attached by ClinVar (database versions not stated): TOPMed 0.00002; gnomAD 0.00003.
gnomAD v4.1: 88 of 1,612,502 alleles (0.0055%); highest among the groups gnomAD compares: Non-Finnish European, 0.0074%; no homozygotes.

Submissions (3):

Labcorp Genetics (formerly Invitae), Labcorp
Classification: Uncertain significance for Dyskeratosis congenita, autosomal recessive 5; Pulmonary fibrosis and/or bone marrow failure, Telomere-related, 3. Last evaluated: 2025-05-23. Review status: criteria provided, single submitter. Criteria: Invitae Variant Classification Sherloc (09022015). Collection method: clinical testing. Allele origin: germline.
Comment: This sequence change replaces threonine, which is neutral and polar, with serine, which is neutral and polar, at codon 1103 of the RTEL1 protein (p.Thr1103Ser). This variant is present in population databases (rs375241519, gnomAD 0.007%). This variant has not been reported in the literature in individuals affected with RTEL1-related conditions. ClinVar contains an entry for this variant (Variation ID: 1878916). An algorithm developed to predict the effect of missense changes on protein structure and function (PolyPhen-2) suggests that this variant is likely to be disruptive. In summary, the available evidence is currently insufficient to determine the role of this variant in disease. Therefore, it has been classified as a Variant of Uncertain Significance.

Ambry Genetics
Classification: Uncertain significance for Inborn genetic diseases. Last evaluated: 2024-08-05. Review status: criteria provided, single submitter. Criteria: Ambry Variant Classification Scheme 2023. Collection method: clinical testing. Allele origin: germline.

GeneDx
Classification: Uncertain significance. Last evaluated: 2022-07-13. Review status: criteria provided, single submitter. Criteria: GeneDx Variant Classification Process June 2021. Collection method: clinical testing. Allele origin: germline. Affected: yes.
Comment: In silico analysis supports that this missense variant does not alter protein structure/function; Has not been previously published as pathogenic or benign to our knowledge